The following is an entry in ClinVar:

ClinVar aggregate classification (germline): Likely pathogenic (1 of 4 stars; one submission).

Conditions:
Dilated cardiomyopathy 1G (CMD1G). Identifiers: Orphanet 154, MedGen C1858763, MONDO:0011400, OMIM 604145.
Autosomal recessive limb-girdle muscular dystrophy type 2J (LGMDR10). Also called: Limb-girdle muscular dystrophy, type 2J; MUSCULAR DYSTROPHY, LIMB-GIRDLE, AUTOSOMAL RECESSIVE 10. Identifiers: Orphanet 140922, MedGen C1837342, MONDO:0012127, OMIM 608807.

Submission:

Labcorp Genetics (formerly Invitae), Labcorp
Classification: Likely pathogenic for Dilated cardiomyopathy 1G; Autosomal recessive limb-girdle muscular dystrophy type 2J. Last evaluated: 2024-12-30. Review status: criteria provided, single submitter. Criteria: Invitae Variant Classification Sherloc (09022015). Collection method: clinical testing. Allele origin: germline.
Comment: This sequence change creates a premature translational stop signal (p.Gln23676*) in the TTN gene. While this is not anticipated to result in nonsense mediated decay, it is expected to create a truncated TTN protein. This variant is not present in population databases (gnomAD no frequency). This premature translational stop signal has been observed in individual(s) with dilated cardiomyopathy (internal data). This variant is located in the A band of TTN (PMID: 25589632). Truncating variants in this region are significantly overrepresented in patients affected with dilated cardiomyopathy (PMID: 25589632). Truncating variants in this region have also been reported in individuals affected with autosomal recessive centronuclear myopathy (PMID: 23975875). In summary, the currently available evidence indicates that the variant is pathogenic, but additional data are needed to prove that conclusively. Therefore, this variant has been classified as Likely Pathogenic.

Literature cited by the submitters: PubMed 25589632; PubMed 23975875.

NM_001267550.2(TTN):c.71026C>T (p.Gln23676Ter)

Genes: TTN (titin; minus strand), TTN-AS1 (TTN antisense RNA 1; plus strand). Cytogenetic location: 2q31.2.
Variant type: single nucleotide variant.
Coding change: c.71026C>T on transcript NM_001267550.2 (MANE Select); coding-DNA position 71026, C replaced by T.
Protein change: p.Gln23676Ter; replaces glutamine 23676 with a stop codon.
Molecular consequence: nonsense.
Genome position (GRCh38, 1-based): chr2:178,575,106, G>A on the plus strand (C>T on the coding strand, the complement: TTN is on the minus strand). VCF-style: chr2-178575106-G-A. GRCh37 (hg19) VCF-style: chr2-179439833-G-A.
Other names: c.66103C>T, p.Gln22035Ter (NM_001256850.1); c.43831C>T, p.Gln14611Ter (NM_003319.4); c.63322C>T, p.Gln21108Ter (NM_133378.4); c.44206C>T, p.Gln14736Ter (NM_133432.3); c.44407C>T, p.Gln14803Ter (NM_133437.4); short protein forms Q14611*, Q14736*, Q14803*, Q21108*, Q22035*, Q23676*.
Identifiers: ClinVar variation 3760202 (VCV003760202.2).